The following is an entry in ClinVar:

ClinVar aggregate classification (germline): Pathogenic (1 of 4 stars; one submission).

Conditions:
Glycogen storage disease due to muscle and heart glycogen synthase deficiency. Also called: MUSCLE GLYCOGEN SYNTHASE DEFICIENCY; GSD 0b. Identifiers: Orphanet 137625, MedGen C1969054, MONDO:0012693, OMIM 611556.

Submission:

Labcorp Genetics (formerly Invitae), Labcorp
Classification: Pathogenic for Glycogen storage disease due to muscle and heart glycogen synthase deficiency. Last evaluated: 2022-06-20. Review status: criteria provided, single submitter. Criteria: Invitae Variant Classification Sherloc (09022015). Collection method: clinical testing. Allele origin: germline.
Comment: This variant has not been reported in the literature in individuals affected with GYS1-related conditions. This variant is a gross deletion of the genomic region encompassing exon(s) 11-12 of the GYS1 gene. This deletion is out-of-frame, and is expected to create a premature termination codon and result in an absent or disrupted protein product. Loss-of-function variants in GYS1 are known to be pathogenic (PMID: 17928598, 19699667). For these reasons, this variant has been classified as Pathogenic.

Literature cited by the submitters: PubMed 17928598; PubMed 19699667.

NC_000019.9:g.(?_49477450)_(49478010_?)del

Gene: GYS1 (glycogen synthase 1; minus strand). Cytogenetic location: 19q13.33.
Variant type: Deletion.
Identifiers: ClinVar variation 1455547 (VCV001455547.5).